The following is an entry in ClinVar:

ClinVar aggregate classification (germline): Uncertain significance (1 of 4 stars; one submission).

Submission:

Labcorp Genetics (formerly Invitae), Labcorp
Classification: Uncertain significance. Last evaluated: 2024-03-18. Review status: criteria provided, single submitter. Criteria: Invitae Variant Classification Sherloc (09022015). Collection method: clinical testing. Allele origin: germline.
Comment: This sequence change replaces aspartic acid, which is acidic and polar, with asparagine, which is neutral and polar, at codon 954 of the RTTN protein (p.Asp954Asn). This variant is present in population databases (no rsID available, gnomAD 0.001%). This variant has not been reported in the literature in individuals affected with RTTN-related conditions. Advanced modeling of protein sequence and biophysical properties (such as structural, functional, and spatial information, amino acid conservation, physicochemical variation, residue mobility, and thermodynamic stability) performed at Invitae indicates that this missense variant is not expected to disrupt RTTN protein function with a negative predictive value of 80%. Algorithms developed to predict the effect of sequence changes on RNA splicing suggest that this variant may disrupt the consensus splice site. In summary, the available evidence is currently insufficient to determine the role of this variant in disease. Therefore, it has been classified as a Variant of Uncertain Significance.

NM_173630.4(RTTN):c.2860G>A (p.Asp954Asn)

Gene: RTTN (rotatin; minus strand). Cytogenetic location: 18q22.2.
Variant type: single nucleotide variant.
Coding change: c.2860G>A on transcript NM_173630.4 (MANE Select); coding-DNA position 2860, G replaced by A.
Protein change: p.Asp954Asn; replaces aspartic acid 954 with asparagine.
Molecular consequence: missense variant.
Genome position (GRCh38, 1-based): chr18:70,135,209, C>T on the plus strand (G>A on the coding strand, the complement: RTTN is on the minus strand). VCF-style: chr18-70135209-C-T. GRCh37 (hg19) VCF-style: chr18-67802445-C-T.
Other names: c.124G>A, p.Asp42Asn (NM_001318520.2); short protein forms D42N, D954N.
Identifiers: ClinVar variation 3674685 (VCV003674685.2).